The following is an entry in ClinVar:

NM_001128205.2(SULF1):c.1558A>G (p.Ser520Gly)

Gene: SULF1 (sulfatase 1; plus strand). Cytogenetic location: 8q13.3.
Variant type: single nucleotide variant.
Coding change: c.1558A>G on transcript NM_001128205.2 (MANE Select); coding-DNA position 1558, A replaced by G.
Protein change: p.Ser520Gly; replaces serine 520 with glycine.
Molecular consequence: missense variant. On other transcripts: 5 prime UTR variant (1), non-coding transcript variant (7).
Genome position (GRCh38, 1-based): chr8:69,621,215, A>G. VCF-style: chr8-69621215-A-G. GRCh37 (hg19) VCF-style: chr8-70533450-A-G.
Other names: c.1558A>G, p.Ser520Gly (NM_001412830.1, NM_001412831.1, NM_001412833.1 and 9 more transcripts); c.1429A>G, p.Ser477Gly (NM_001412832.1, NM_001412838.1, NM_001412839.1 and 1 more transcripts); c.1501A>G, p.Ser501Gly (NM_001412836.1, NM_001412837.1); c.1372A>G, p.Ser458Gly (NM_001412841.1, NM_001412842.1); c.958A>G, p.Ser320Gly (NM_001412844.1, NM_001412845.1); c.-234A>G (NM_001412846.1); short protein forms S320G, S458G, S477G, S501G, S520G.
Identifiers: ClinVar variation 3622249 (VCV003622249.2).
Genomic context (GRCh38, chr8:69,621,215, plus strand): 5'-AAAGACAAAGAGTGCAGTTGTAGGGAGTCTGGTTACCGTGCCAGCAGAAGCCAAAGAAAG[A>G]GTCAACGGCAATTCTTGAGAAACCAGGGGACTCCAAGTAAGCCACGCTTTTGTGACCATC-3'
Protein context (NP_001121677.1, residues 510-530): GYRASRSQRK[Ser520Gly]QRQFLRNQGT

ClinVar aggregate classification (germline): Uncertain significance (1 of 4 stars; one submission).

gnomAD v4.1: 6 of 1,613,778 alleles (0.00037%); highest among the groups gnomAD compares: African/African-American, 0.0053%; no homozygotes.

Submission:

Labcorp Genetics (formerly Invitae), Labcorp
Classification: Uncertain significance. Last evaluated: 2024-10-27. Review status: criteria provided, single submitter. Criteria: Invitae Variant Classification Sherloc (09022015). Collection method: clinical testing. Allele origin: germline.
Comment: This sequence change replaces serine, which is neutral and polar, with glycine, which is neutral and non-polar, at codon 520 of the SULF1 protein (p.Ser520Gly). This variant is present in population databases (rs374818506, gnomAD 0.02%). This variant has not been reported in the literature in individuals affected with SULF1-related conditions. An algorithm developed to predict the effect of missense changes on protein structure and function outputs the following: PolyPhen-2: "Benign". The glycine amino acid residue is found in multiple mammalian species, which suggests that this missense change does not adversely affect protein function. In summary, the available evidence is currently insufficient to determine the role of this variant in disease. Therefore, it has been classified as a Variant of Uncertain Significance.